The following is an entry in ClinVar:

ClinVar aggregate classification (germline): Uncertain significance (1 of 4 stars; one submission).

Conditions:
Hereditary cancer-predisposing syndrome. Also called: Neoplastic Syndromes, Hereditary; Tumor predisposition; Hereditary neoplastic syndrome; Hereditary Cancer Syndrome. Identifiers: Orphanet 140162, MedGen C0027672, MeSH D009386, MONDO:0015356.
Familial thoracic aortic aneurysm and aortic dissection (TAAD). Also called: Thoracic aortic aneurysms and dissections. Identifiers: Orphanet 91387, MedGen C4707243, MONDO:0019625.

Submission:

Ambry Genetics
Classification: Uncertain significance for Hereditary cancer-predisposing syndrome; Familial thoracic aortic aneurysm and aortic dissection. Last evaluated: 2023-07-28. Review status: criteria provided, single submitter. Criteria: Ambry Variant Classification Scheme 2023. Collection method: clinical testing. Allele origin: germline.
Comment: The c.1447+5G>A intronic variant results from a G to A substitution 5 nucleotides after coding exon 10 in the SMAD4 gene. This nucleotide position is highly conserved in available vertebrate species. In silico splice site analysis predicts that this alteration will result in the creation or strengthening of a novel splice donor site. Since supporting evidence is limited at this time, the clinical significance of this alteration remains unclear.

NM_005359.6(SMAD4):c.1447+5G>A

Gene: SMAD4 (SMAD family member 4; plus strand). Cytogenetic location: 18q21.2.
Variant type: single nucleotide variant.
Coding change: c.1447+5G>A on transcript NM_005359.6 (MANE Select); 5 bases into the intron after coding-DNA position 1447, G replaced by A.
Molecular consequence: intron variant.
Genome position (GRCh38, 1-based): chr18:51,076,781, G>A. VCF-style: chr18-51076781-G-A. GRCh37 (hg19) VCF-style: chr18-48603151-G-A.
Other names: c.1447+5G>A (NM_001407042.1, NM_001407041.1).
Identifiers: ClinVar variation 3238400 (VCV003238400.1), dbSNP rs2144474847.